The following is an entry in ClinVar:

ClinVar aggregate classification (germline): Conflicting classifications of pathogenicity. Review status: criteria provided, conflicting classifications (1 of 4 stars). 5 submissions from 5 submitters: Uncertain significance (1); Likely benign (3). 1 of the submissions does not count toward it. Last evaluated 2026-01-30.

Conditions:
CLPB-related disorder. Also called: CLPB-related condition.
Inborn genetic diseases. Identifiers: MedGen C0950123, MeSH D030342.
3-methylglutaconic aciduria, type VIIB (MGCA7B). Also called: 3-methylglutaconic aciduria with cataracts, neurologic involvement and neutropenia; CLPB Deficiency; 3-methylglutaconic aciduria, type VII, with cataracts, neurologic involvement and neutropenia. Identifiers: Orphanet 445038, MedGen C5676893, MONDO:0014561, OMIM 616271.

Allele frequency attached by ClinVar (database versions not stated): ESP Exome Variant Server 0.00046; gnomAD 0.00104 and 0.00110; TOPMed 0.00115; 1000 Genomes Project 0.00120; 1000 Genomes Project 30x 0.00125; gnomAD exomes 0.00015 and 0.00034; ExAC 0.00040.
gnomAD v4.1: 381 of 1,614,164 alleles (0.024%); highest among the groups gnomAD compares: African/African-American, 0.38%; 1 homozygote.

Submissions (5):

Labcorp Genetics (formerly Invitae), Labcorp
Classification: Likely benign for 3-methylglutaconic aciduria, type VIIB. Last evaluated: 2026-01-30. Review status: criteria provided, single submitter. Criteria: Invitae Variant Classification Sherloc (09022015). Collection method: clinical testing. Allele origin: germline.

Ambry Genetics
Classification: Likely benign for Inborn genetic diseases. Last evaluated: 2025-04-18. Review status: criteria provided, single submitter. Criteria: Ambry Variant Classification Scheme 2023. Collection method: clinical testing. Allele origin: germline.

GeneDx
Classification: Uncertain significance. Last evaluated: 2024-03-01. Review status: criteria provided, single submitter. Criteria: GeneDx Variant Classification Process June 2021. Collection method: clinical testing. Allele origin: germline. Affected: yes.
Comment: Has not been previously published as pathogenic or benign to our knowledge; In silico analysis supports that this missense variant has a deleterious effect on protein structure/function

CeGaT Center for Human Genetics Tuebingen
Classification: Likely benign. Last evaluated: 2023-01-01. Review status: criteria provided, single submitter. Criteria: CeGaT Center For Human Genetics Tuebingen Variant Classification Criteria Version 2. Collection method: clinical testing. Allele origin: germline. Affected: yes. Observed: 1 variant allele.
Comment: CLPB: BS1

PreventionGenetics, part of Exact Sciences
Classification: Likely benign for CLPB-related condition. Last evaluated: 2024-09-03. Review status: no assertion criteria provided. Collection method: clinical testing. Allele origin: germline. Not counted in ClinVar's aggregate classification.
Comment: This variant is classified as likely benign based on ACMG/AMP sequence variant interpretation guidelines (Richards et al. 2015 PMID: 25741868, with internal and published modifications).

NM_001258392.3(CLPB):c.1253A>G (p.Asn418Ser)

Genes: CLPB (ClpB family mitochondrial disaggregase; minus strand), LOC126861258 (MED14-independent group 3 enhancer GRCh37_chr11:72012242-72013441; plus strand). Cytogenetic location: 11q13.4.
Variant type: single nucleotide variant.
Coding change: c.1253A>G on transcript NM_001258392.3 (MANE Select); coding-DNA position 1253, A replaced by G.
Protein change: p.Asn418Ser; replaces asparagine 418 with serine.
Molecular consequence: missense variant.
Genome position (GRCh38, 1-based): chr11:72,301,879, T>C on the plus strand (A>G on the coding strand, the complement: CLPB is on the minus strand). VCF-style: chr11-72301879-T-C. GRCh37 (hg19) VCF-style: chr11-72012923-T-C.
Other names: c.1166A>G, p.Asn389Ser (NM_001258393.3); c.1208A>G, p.Asn403Ser (NM_001258394.3); c.1343A>G, p.Asn448Ser (NM_030813.6); c.1343A>G (NM_030813.3); short protein forms N448S, N418S, N389S, N403S.
Identifiers: ClinVar variation 476192 (VCV000476192.39), dbSNP rs116118397, ClinGen allele CA6171227.